The following is an entry in ClinVar:

ClinVar aggregate classification (germline): Uncertain significance (1 of 4 stars; one submission).

Conditions:
Blau syndrome (BLAUS). Also called: ARTHROCUTANEOUVEAL GRANULOMATOSIS; GRANULOMATOSIS, FAMILIAL JUVENILE SYSTEMIC; GRANULOMATOSIS, FAMILIAL, BLAU TYPE; GRANULOMATOUS INFLAMMATORY ARTHRITIS, DERMATITIS, AND UVEITIS, FAMILIAL; JABS SYNDROME. Identifiers: Orphanet 90340, MedGen C5201146, MONDO:0008523, OMIM 186580.
Regional enteritis. Also called: Enteritis, Granulomatous. Identifiers: MedGen C0678202, MeSH D003424.

Allele frequency attached by ClinVar (database versions not stated): gnomAD exomes below 0.00001.
gnomAD v4.1: 2 of 1,613,926 alleles (0.00012%); highest among the groups gnomAD compares: South Asian, 0.0011%; no homozygotes.

Submission:

Labcorp Genetics (formerly Invitae), Labcorp
Classification: Uncertain significance for Regional enteritis; Blau syndrome. Last evaluated: 2023-07-29. Review status: criteria provided, single submitter. Criteria: Invitae Variant Classification Sherloc (09022015). Collection method: clinical testing. Allele origin: germline.
Comment: In summary, the available evidence is currently insufficient to determine the role of this variant in disease. Therefore, it has been classified as a Variant of Uncertain Significance. This variant has not been reported in the literature in individuals affected with NOD2-related conditions. This variant is not present in population databases (gnomAD no frequency). This sequence change creates a premature translational stop signal (p.Gln204*) in the NOD2 gene. It is expected to result in an absent or disrupted protein product. However, the current clinical and genetic evidence is not sufficient to establish whether loss-of-function variants in NOD2 cause disease.

NM_001370466.1(NOD2):c.529C>T (p.Gln177Ter)

Gene: NOD2 (nucleotide binding oligomerization domain containing 2; plus strand). Cytogenetic location: 16q12.1.
Variant type: single nucleotide variant.
Coding change: c.529C>T on transcript NM_001370466.1 (MANE Select); coding-DNA position 529, C replaced by T.
Protein change: p.Gln177Ter; replaces glutamine 177 with a stop codon.
Molecular consequence: nonsense. On other transcripts: non-coding transcript variant (1).
Genome position (GRCh38, 1-based): chr16:50,707,924, C>T. VCF-style: chr16-50707924-C-T. GRCh37 (hg19) VCF-style: chr16-50741835-C-T.
Other names: c.529C>T, p.Gln177Ter (NM_001293557.2); c.610C>T, p.Gln204Ter (NM_022162.3); short protein forms Q177*, Q204*.
Identifiers: ClinVar variation 2936884 (VCV002936884.3), dbSNP rs2509183387, ClinGen allele CA395867177.